The following is an entry in ClinVar:

NM_004360.5(CDH1):c.977T>A (p.Ile326Asn)

Gene: CDH1 (cadherin 1; plus strand). Cytogenetic location: 16q22.1.
Variant type: single nucleotide variant.
Coding change: c.977T>A on transcript NM_004360.5 (MANE Select); coding-DNA position 977, T replaced by A.
Protein change: p.Ile326Asn; replaces isoleucine 326 with asparagine.
Molecular consequence: missense variant. On other transcripts: 5 prime UTR variant (2).
Genome position (GRCh38, 1-based): chr16:68,811,828, T>A. VCF-style: chr16-68811828-T-A. GRCh37 (hg19) VCF-style: chr16-68845731-T-A.
Other names: c.977T>A, p.Ile326Asn (NM_001317184.2); c.-639T>A (NM_001317185.2); c.-843T>A (NM_001317186.2); short protein forms I326N.
Identifiers: ClinVar variation 2502932 (VCV002502932.1), dbSNP rs1190209160, ClinGen allele CA396459846.

ClinVar aggregate classification (germline): Uncertain significance (1 of 4 stars; one submission).

Conditions:
Hereditary diffuse gastric adenocarcinoma (HDGC). Also called: DIFFUSE GASTRIC AND LOBULAR BREAST CANCER SYNDROME. Identifiers: Orphanet 26106, MedGen C1708349, MONDO:0007648, OMIM 137215.

Submission:

European Reference Network on Genetic Tumour Risk Syndromes (ERN-GENTURIS), i3s - Instituto de Investigação e Inovação em Saúde, University of Porto
Classification: Uncertain significance for Hereditary diffuse gastric adenocarcinoma. Last evaluated: 2022-08-01. Review status: criteria provided, single submitter. Criteria: Lee et al. (Hum Mutat. 2018). Collection method: clinical testing. Allele origin: germline. Inheritance: Autosomal dominant inheritance. Affected: yes. Study: ERN GENTURIS.
Comment: PS4_Supporting; PM2; PP1_Supporting (PMID: 30311375)

Literature cited by the submitters: PubMed 36436516; PubMed 28487081.